The following is an entry in ClinVar:

NM_002227.4(JAK1):c.1190C>G (p.Ser397Cys)

Gene: JAK1 (Janus kinase 1; minus strand). Cytogenetic location: 1p31.3.
Variant type: single nucleotide variant.
Coding change: c.1190C>G on transcript NM_002227.4 (MANE Select); coding-DNA position 1190, C replaced by G.
Protein change: p.Ser397Cys; replaces serine 397 with cysteine.
Molecular consequence: missense variant.
Genome position (GRCh38, 1-based): chr1:64,860,249, G>C on the plus strand (C>G on the coding strand, the complement: JAK1 is on the minus strand). VCF-style: chr1-64860249-G-C. GRCh37 (hg19) VCF-style: chr1-65325932-G-C.
Other names: c.1190C>G, p.Ser397Cys (NM_001320923.2, NM_001321852.2, NM_001321853.2 and 4 more transcripts); short protein forms S397C.
Identifiers: ClinVar variation 4717548 (VCV004717548.1).

ClinVar aggregate classification (germline): Uncertain significance (1 of 4 stars; one submission).

Submission:

Labcorp Genetics (formerly Invitae), Labcorp
Classification: Uncertain significance. Last evaluated: 2025-02-13. Review status: criteria provided, single submitter. Criteria: Invitae Variant Classification Sherloc (09022015). Collection method: clinical testing. Allele origin: germline.
Comment: This sequence change replaces serine, which is neutral and polar, with cysteine, which is neutral and slightly polar, at codon 397 of the JAK1 protein (p.Ser397Cys). This variant is not present in population databases (gnomAD no frequency). This variant has not been reported in the literature in individuals affected with JAK1-related conditions. Invitae Evidence Modeling of protein sequence and biophysical properties (such as structural, functional, and spatial information, amino acid conservation, physicochemical variation, residue mobility, and thermodynamic stability) has been performed for this missense variant. However, the output from this modeling did not meet the statistical confidence thresholds required to predict the impact of this variant on JAK1 protein function. In summary, the available evidence is currently insufficient to determine the role of this variant in disease. Therefore, it has been classified as a Variant of Uncertain Significance.